The following is an entry in ClinVar:

NM_030662.4(MAP2K2):c.335G>T (p.Arg112Leu)

Gene: MAP2K2 (mitogen-activated protein kinase kinase 2; minus strand). Cytogenetic location: 19p13.3.
Variant type: single nucleotide variant.
Coding change: c.335G>T on transcript NM_030662.4 (MANE Select); coding-DNA position 335, G replaced by T.
Protein change: p.Arg112Leu; replaces arginine 112 with leucine.
Molecular consequence: missense variant.
Genome position (GRCh38, 1-based): chr19:4,110,624, C>A on the plus strand (G>T on the coding strand, the complement: MAP2K2 is on the minus strand). VCF-style: chr19-4110624-C-A. GRCh37 (hg19) VCF-style: chr19-4110622-C-A.
Other names: short protein forms R112L.
Identifiers: ClinVar variation 837201 (VCV000837201.10), dbSNP rs2041142587, ClinGen allele CA403391689.

ClinVar aggregate classification (germline): Conflicting classifications of pathogenicity. Review status: criteria provided, conflicting classifications (1 of 4 stars). 3 submissions from 3 submitters: Likely pathogenic (2); Uncertain significance (1). Last evaluated 2025-05-05.

Conditions:
RASopathy. Also called: rasopathies; Noonan spectrum disorder. Identifiers: Orphanet 536391, MedGen C5555857, MONDO:0021060.
Cardiofaciocutaneous syndrome 4 (CFC4). Also called: MAP2K2-Related Cardiofaciocutaneous Syndrome. Identifiers: Orphanet 1340, MedGen C3809007, MONDO:0014114, OMIM 615280.

Submissions (3):

GeneDx
Classification: Uncertain significance. Last evaluated: 2025-05-05. Review status: criteria provided, single submitter. Criteria: GeneDx Variant Classification Process June 2021. Collection method: clinical testing. Allele origin: germline. Affected: yes.
Comment: Identified in a patient with features of cardio-facio-cutaneous (CFC) syndrome; however detailed clinical information and segregation information were not provided (PMID: 33128510); Not observed at significant frequency in large population cohorts (gnomAD); Missense variants in this gene are a common cause of disease and they are underrepresented in the general population; In silico analysis supports that this missense variant has a deleterious effect on protein structure/function; This variant is associated with the following publications: (PMID: 33128510)

ARUP Laboratories, Molecular Genetics and Genomics, ARUP Laboratories
Classification: Likely pathogenic for Cardiofaciocutaneous syndrome 4. Last evaluated: 2023-03-14. Review status: criteria provided, single submitter. Criteria: ARUP Molecular Germline Variant Investigation Process 2024. Collection method: clinical testing. Allele origin: germline.
Comment: The MAP2K2 c.335G>T; p.Arg112Leu variant (rs2041142587) is reported in an individual with cardio-facio-cutaneous syndrome (Bertola 2020), and is also reported in ClinVar (Variation ID: 837201). One submission in ClinVar reports that this variant has been seen de novo in an individual with clinical features of Noonan syndrome (Accession: SCV001201952.4). This variant is absent from the Genome Aggregation Database, indicating it is not a common polymorphism. Computational analyses predict that this variant is deleterious (REVEL: 0.925). Based on available information, this variant is considered to be likely pathogenic. References: Bertola DR et al. Phenotype-genotype analysis of 242 individuals with RASopathies: 18-year experience of a tertiary center in Brazil. Am J Med Genet C Semin Med Genet. 2020 Dec;184(4):896-911. PMID: 33128510.

Labcorp Genetics (formerly Invitae), Labcorp
Classification: Likely pathogenic for RASopathy. Last evaluated: 2019-12-17. Review status: criteria provided, single submitter. Criteria: Invitae Variant Classification Sherloc (09022015). Collection method: clinical testing. Allele origin: germline.
Comment: In summary, the currently available evidence indicates that the variant is pathogenic, but additional data are needed to prove that conclusively. Therefore, this variant has been classified as Likely Pathogenic. Algorithms developed to predict the effect of missense changes on protein structure and function are either unavailable or do not agree on the potential impact of this missense change (SIFT: "Tolerated"; PolyPhen-2: "Possibly Damaging"; Align-GVGD: "Class C0"). In at least one individual the variant was observed to be de novo. This variant is not present in population databases (ExAC no frequency). This sequence change replaces arginine with leucine at codon 112 of the MAP2K2 protein (p.Arg112Leu). The arginine residue is highly conserved and there is a moderate physicochemical difference between arginine and leucine.